The following is an entry in ClinVar:

ClinVar aggregate classification (germline): Pathogenic. Review status: criteria provided, multiple submitters, no conflicts (2 of 4 stars). 3 submissions from 3 submitters: Pathogenic (3). Last evaluated 2024-06-07.

Conditions:
Mucopolysaccharidosis, MPS-II (MPS2). Also called: IDS deficiency; Sulfoiduronate sulfatase deficiency; SIDS deficiency; Mucopolysaccharidosis type 2; Attenuated MPS (subtype; formerly known as mild MPS II); Severe MPS II. Identifiers: Orphanet 580, Orphanet 79388, MedGen C0026705, MONDO:0010674, OMIM 309900.

Submissions (3):

Laboratory of Diagnosis and Therapy of Lysosomal Disorders, University of Padova
Classification: Pathogenic for Mucopolysaccharidosis, MPS-II. Last evaluated: 2024-06-07. Review status: criteria provided, single submitter. Criteria: ACMG Guidelines, 2015. Collection method: literature only. Allele origin: germline. Affected: yes. Observed: 1 variant allele.
Comment: Null variant (PVS1_VeryStrong), In vitro or in vivo functional studies supportive of a damaging effect (PS3_Strong), Absent from controls (or at low frequency) in gnomAD database (PM2_Moderate), Patient’s phenotype or family history highly specific for the disease (PP4_Strong)

Classification method: ACMG Guidelines [PMID:25741868] with modifications

Revvity Omics, Revvity
Classification: Pathogenic for Mucopolysaccharidosis, MPS-II. Last evaluated: 2021-07-24. Review status: criteria provided, single submitter. Criteria: ACMG Guidelines, 2015. Collection method: clinical testing. Allele origin: germline.

Women's Health and Genetics/Laboratory Corporation of America, LabCorp
Classification: Pathogenic for Mucopolysaccharidosis, MPS-II. Last evaluated: 2018-12-26. Review status: criteria provided, single submitter. Criteria: LabCorp Variant Classification Summary - May 2015. Collection method: clinical testing. Allele origin: germline.
Comment: Variant summary: IDS c.1044C>G (p.Tyr348X) results in a premature termination codon, predicted to cause a truncation of the encoded protein or absence of the protein due to nonsense mediated decay, which are commonly known mechanisms for disease. The variant was absent in 87394 control chromosomes (ExAC). c.1044C>G has been reported in the literature in individuals affected with Mucopolysaccharidosis Type II (Hunter Syndrome) (Froissart_2007, Charoenwattanasatien_2012). These data indicate that the variant may be associated with disease. A functional study, showed the variant to have no IDS activity in COS7 cells (Charoenwattanasatien_2012). No clinical diagnostic laboratories have submitted clinical-significance assessments for this variant to ClinVar after 2014. Based on the evidence outlined above, the variant was classified as pathogenic.

Literature cited by the submitters: PubMed 22990955 (cited by Laboratory of Diagnosis and Therapy of Lysosomal Disorders, University of Padova and Women's Health and Genetics/Laboratory Corporation of America, LabCorp); PubMed 17391447 (cited by Women's Health and Genetics/Laboratory Corporation of America, LabCorp).

NM_000202.8(IDS):c.1044C>G (p.Tyr348Ter)

Genes: IDS (iduronate 2-sulfatase; minus strand), LOC106050102 (IDS recombination region; plus strand). Cytogenetic location: Xq28.
Variant type: single nucleotide variant.
Coding change: c.1044C>G on transcript NM_000202.8 (MANE Select); coding-DNA position 1044, C replaced by G.
Protein change: p.Tyr348Ter; replaces tyrosine 348 with a stop codon.
Molecular consequence: nonsense.
Genome position (GRCh38, 1-based): chrX:149,487,061, G>C on the plus strand (C>G on the coding strand, the complement: IDS is on the minus strand). VCF-style: chrX-149487061-G-C. GRCh37 (hg19) VCF-style: chrX-148568592-G-C.
Other names: c.774C>G, p.Tyr258Ter (NM_001166550.4); short protein forms Y348*, Y258*.
Identifiers: ClinVar variation 633270 (VCV000633270.7), dbSNP rs1569560392, ClinGen allele CA414518955.
Genomic context (GRCh38, chrX:149,487,061, plus strand): 5'-AGCCGTCCTTCCAGGAACATAGAATATCAGGGGAACATGGGTAGCAACATCAAAATTGCT[G>C]TATTTGGCCCATTCTCCATGTTCACCTAGAGCCCACCCTAGTTCATAAAAAGCACAGAAT-3'